The following is an entry in ClinVar:

NM_000321.3(RB1):c.862_862delG

Gene: RB1 (RB transcriptional corepressor 1; plus strand). Cytogenetic location: 13q14.2.
Variant type: Deletion.
Coding change: c.862_862delG on transcript NM_000321.3 (MANE Select); coding-DNA positions 862 to 862, one base deleted (G).
Molecular consequence: splice acceptor variant.
Genome position (GRCh38, 1-based): chr13:48,364,894, G deleted; the last of 2 consecutive G bases (chr13:48,364,893-48,364,894); deleting either gives the same sequence. VCF-style (leftmost placement, unchanged base first): chr13-48364892-AG-A. GRCh37 (hg19) VCF-style: chr13-48939028-AG-A.
Identifiers: ClinVar variation 3384171 (VCV003384171.1).

ClinVar aggregate classification (germline): Pathogenic (0 of 4 stars; one submission).

Conditions:
Retinoblastoma (RB1). Also called: RETINOBLASTOMA, SOMATIC. Identifiers: Orphanet 790, MedGen C0035335, MeSH D012175, MONDO:0008380, OMIM 180200, HP:0009919. Disease mechanism: loss of function. Inheritance: Both sporadic and heritable forms are tested..

Submission:

Clinical Genetics and Genomics Laboratory, Noor Shahriyar Hospital
Classification: Pathogenic for Retinoblastoma. Last evaluated: 2016-12-12. Review status: no assertion criteria provided. Collection method: clinical testing. Allele origin: germline. Affected: yes.
Comment: The NM_000321 c.862delG, is a nonsense variant in RB1 which is predicted to result in a premature stop codon at position 289, and likely results in an absent or disrupted protein product (PVS1).

Variant c.862delG (in RB1 gene) was first seen in persian population with Retinoblastoma (PMID: 27983729)

Literature cited by the submitters: PubMed 27983729.